The following is an entry in ClinVar:

ClinVar aggregate classification (germline): Uncertain significance. Review status: criteria provided, multiple submitters, no conflicts (2 of 4 stars). 2 submissions from 2 submitters: Uncertain significance (2). Last evaluated 2025-10-01.

Conditions:
Developmental and epileptic encephalopathy, 27 (DEE27). Also called: Epileptic encephalopathy, early infantile, 27; GRIN2B-Related Neurodevelopmental Disorder. Identifiers: Orphanet 3451, MedGen C4015316, MONDO:0014505, OMIM 616139.
Intellectual developmental disorder, autosomal dominant 6, with or without seizures. Also called: Intellectual disability, autosomal dominant 6; GRIN2B-related developmental delay, intellectual disability and autism spectrum disorder. Identifiers: Orphanet 589547, MedGen C3151411, MONDO:0013509, OMIM 613970.
Inborn genetic diseases. Identifiers: MedGen C0950123, MeSH D030342.

gnomAD v4.1: 8 of 1,613,858 alleles (0.0005%); highest among the groups gnomAD compares: Non-Finnish European, 0.00068%; no homozygotes.

Submissions (2):

Labcorp Genetics (formerly Invitae), Labcorp
Classification: Uncertain significance for Developmental and epileptic encephalopathy, 27; Intellectual developmental disorder, autosomal dominant 6, with or without seizures. Last evaluated: 2025-10-01. Review status: criteria provided, single submitter. Criteria: Invitae Variant Classification Sherloc (09022015). Collection method: clinical testing. Allele origin: germline.
Comment: This sequence change replaces methionine, which is neutral and non-polar, with isoleucine, which is neutral and non-polar, at codon 884 of the GRIN2B protein (p.Met884Ile). This variant is present in population databases (rs761708533, gnomAD 0.002%). This variant has not been reported in the literature in individuals affected with GRIN2B-related conditions. ClinVar contains an entry for this variant (Variation ID: 3522697). Invitae Evidence Modeling of protein sequence and biophysical properties (such as structural, functional, and spatial information, amino acid conservation, physicochemical variation, residue mobility, and thermodynamic stability) indicates that this missense variant is not expected to disrupt GRIN2B protein function with a negative predictive value of 95%. In summary, the available evidence is currently insufficient to determine the role of this variant in disease. Therefore, it has been classified as a Variant of Uncertain Significance.

Ambry Genetics
Classification: Uncertain significance for Inborn genetic diseases. Last evaluated: 2024-12-03. Review status: criteria provided, single submitter. Criteria: Ambry Variant Classification Scheme 2023. Collection method: clinical testing. Allele origin: germline.

NM_000834.5(GRIN2B):c.2652G>A (p.Met884Ile)

Gene: GRIN2B (glutamate ionotropic receptor NMDA type subunit 2B; minus strand). Cytogenetic location: 12p13.1.
Variant type: single nucleotide variant.
Coding change: c.2652G>A on transcript NM_000834.5 (MANE Select); coding-DNA position 2652, G replaced by A.
Protein change: p.Met884Ile; replaces methionine 884 with isoleucine.
Molecular consequence: missense variant.
Genome position (GRCh38, 1-based): chr12:13,564,586, C>T on the plus strand (G>A on the coding strand, the complement: GRIN2B is on the minus strand). VCF-style: chr12-13564586-C-T. GRCh37 (hg19) VCF-style: chr12-13717520-C-T.
Other names: c.2652G>A, p.Met884Ile (NM_001413992.1); short protein forms M884I.
Identifiers: ClinVar variation 3522697 (VCV003522697.3).